The following is an entry in ClinVar:

NM_000094.4(COL7A1):c.1795C>T (p.Leu599Phe)

Gene: COL7A1 (collagen type VII alpha 1 chain; minus strand). Cytogenetic location: 3p21.31.
Variant type: single nucleotide variant.
Coding change: c.1795C>T on transcript NM_000094.4 (MANE Select); coding-DNA position 1795, C replaced by T.
Protein change: p.Leu599Phe; replaces leucine 599 with phenylalanine.
Molecular consequence: missense variant.
Genome position (GRCh38, 1-based): chr3:48,590,570, G>A on the plus strand (C>T on the coding strand, the complement: COL7A1 is on the minus strand). VCF-style: chr3-48590570-G-A. GRCh37 (hg19) VCF-style: chr3-48628003-G-A.
Other names: short protein forms L599F.
Identifiers: ClinVar variation 3663048 (VCV003663048.3).

ClinVar aggregate classification (germline): Uncertain significance. Review status: criteria provided, multiple submitters, no conflicts (2 of 4 stars). 2 submissions from 2 submitters: Uncertain significance (2). Last evaluated 2026-07-28.

Conditions:
COL7A1-related disorder. Also called: COL7A1- related disorders; COL7A1-related condition.

gnomAD v4.1: 12 of 1,614,074 alleles (0.00074%); highest among the groups gnomAD compares: South Asian, 0.0044%; no homozygotes.

Submissions (2):

PreventionGenetics, part of Exact Sciences
Classification: Uncertain significance for COL7A1-related condition. Last evaluated: 2026-07-28. Review status: criteria provided, single submitter. Criteria: ACMG Guidelines, 2015. Collection method: clinical testing. Allele origin: germline.
Comment: The COL7A1 c.1795C>T variant is predicted to result in the amino acid substitution p.Leu599Phe. To our knowledge, this variant has not been reported in the literature. This variant is reported in 0.0033% of alleles in individuals of South Asian descent in gnomAD. At this time, the clinical significance of this variant is uncertain due to the absence of conclusive functional and genetic evidence.

Labcorp Genetics (formerly Invitae), Labcorp
Classification: Uncertain significance. Last evaluated: 2025-09-21. Review status: criteria provided, single submitter. Criteria: Invitae Variant Classification Sherloc (09022015). Collection method: clinical testing. Allele origin: germline.
Comment: This sequence change replaces leucine, which is neutral and non-polar, with phenylalanine, which is neutral and non-polar, at codon 599 of the COL7A1 protein (p.Leu599Phe). This variant is present in population databases (rs776377027, gnomAD 0.006%). This variant has not been reported in the literature in individuals affected with COL7A1-related conditions. ClinVar contains an entry for this variant (Variation ID: 3663048). Invitae Evidence Modeling of protein sequence and biophysical properties (such as structural, functional, and spatial information, amino acid conservation, physicochemical variation, residue mobility, and thermodynamic stability) indicates that this missense variant is not expected to disrupt COL7A1 protein function with a negative predictive value of 95%. In summary, the available evidence is currently insufficient to determine the role of this variant in disease. Therefore, it has been classified as a Variant of Uncertain Significance.